The following is an entry in ClinVar:

NC_012920.1(MT-ND4):m.11621_11622del

Gene: MT-ND4 (mitochondrially encoded NADH dehydrogenase 4; plus strand).
Variant type: Deletion.
Genome position: chrM-11619-CAT-C.
Identifiers: ClinVar variation 693373 (VCV000693373.1), dbSNP rs1603223363, ClinGen allele CA915952143.

ClinVar aggregate classification (germline): Uncertain significance. Review status: reviewed by expert panel (3 of 4 stars). 2 submissions from 2 submitters: Uncertain significance (1). 1 of the submissions does not count toward it. Last evaluated 2024-12-09.

Conditions:
Leigh syndrome (NULS). Also called: Leigh's syndrome; Leigh Disease; Subacute necrotizing encephalopathy; Necrotizing encephalopathy infantile subacute of Leigh; LEIGH SYNDROME, NUCLEAR; Leigh's necrotizing encephalopathy. Identifiers: Orphanet 506, MedGen C2931891, MONDO:0009723, OMIM 256000.
Mitochondrial disease. Also called: Mitochondrial disorder; Mitochondrial disorders. Identifiers: Orphanet 68380, MedGen C0751651, MeSH D028361, MONDO:0044970.

Submissions (2):

ClinGen Mitochondrial Disease Nuclear and Mitochondrial  Variant Curation Expert Panel, ClinGen
Classification: Uncertain significance for Mitochondrial disease. Last evaluated: 2024-12-09. Review status: reviewed by expert panel. Criteria: clingen mito disease acmg specifications v1-1. Collection method: curation. Allele origin: germline. Inheritance: Mitochondrial inheritance.
Comment: Ragged red fibers were seen on muscle biopsy. The variant was present in muscle at heteroplasmy (level not reported) and was undetectable in blood (PMID: 23463613). Family member affected status and inheritance of the variant was not reported. Another individual with primary mitochondrial disease and this variant has been reported in the medical literature however this report was part of a large cohort and clinical details were not provided precluding consideration of this case for this curation (PMID: 32652755). This variant results in >10% of the protein being truncated (PVS1_strong). This variant is absent in the GenBank dataset, Helix dataset, and gnomAD v3.1.2 (PM2_supporting). There are no cybrids, single fiber studies, or other functional assays reported on this variant. There are no in silico predictors for this type of variant in mitochondrial DNA. In summary, this variant meets criteria to be classified as uncertain significance for primary mitochondrial disease inherited in a mitochondrial manner. This classification was approved by the NICHD/NINDS U24 ClinGen Mitochondrial Disease Variant Curation Expert Panel on December 9, 2024. Mitochondrial DNA-specific ACMG/AMP criteria applied (PMID: 32906214): PM2_supporting, PVS1_strong.

Wong Mito Lab, Molecular and Human Genetics, Baylor College of Medicine
Classification: Likely pathogenic for Leigh syndrome. Last evaluated: 2019-10-17. Review status: criteria provided, single submitter. Criteria: Modified ACMG Guidelines (Unpublished). Collection method: clinical testing. Allele origin: germline. Not counted in ClinVar's aggregate classification.
Comment: The NC_012920.1:m.11621_11622delTA (YP_003024035.1:p.Tyr288LeufsX59) variant in MTND4 gene is interpretated to be a Likely Pathogenic variant based on the modified ACMG guidelines (unpublished). This variant meets the following evidence codes: PS6, PM8, PP6, PP7